The following is an entry in ClinVar:

ClinVar aggregate classification (germline): Uncertain significance. Review status: criteria provided, multiple submitters, no conflicts (2 of 4 stars). 2 submissions from 2 submitters: Uncertain significance (2). Last evaluated 2023-08-30.

Conditions:
Inborn genetic diseases. Identifiers: MedGen C0950123, MeSH D030342.

Allele frequency attached by ClinVar (database versions not stated): gnomAD exomes 0.00002 and 0.00008; gnomAD 0.00006 and 0.00007; ExAC 0.00012; TOPMed 0.00014; 1000 Genomes Project 30x 0.00016; 1000 Genomes Project 0.00020.
gnomAD v4.1: 45 of 1,613,618 alleles (0.0028%); highest among the groups gnomAD compares: African/African-American, 0.033%; no homozygotes.

Submissions (2):

Labcorp Genetics (formerly Invitae), Labcorp
Classification: Uncertain significance. Last evaluated: 2023-08-30. Review status: criteria provided, single submitter. Criteria: Invitae Variant Classification Sherloc (09022015). Collection method: clinical testing. Allele origin: germline.
Comment: The frequency data for this variant in the population databases is considered unreliable, as metrics indicate poor data quality at this position in the gnomAD database. In summary, the available evidence is currently insufficient to determine the role of this variant in disease. Therefore, it has been classified as a Variant of Uncertain Significance. Advanced modeling of protein sequence and biophysical properties (such as structural, functional, and spatial information, amino acid conservation, physicochemical variation, residue mobility, and thermodynamic stability) performed at Invitae indicates that this missense variant is not expected to disrupt PKD1L1 protein function. ClinVar contains an entry for this variant (Variation ID: 1026431). This variant has not been reported in the literature in individuals affected with PKD1L1-related conditions. This sequence change replaces threonine, which is neutral and polar, with isoleucine, which is neutral and non-polar, at codon 739 of the PKD1L1 protein (p.Thr739Ile).

Ambry Genetics
Classification: Uncertain significance for Inborn genetic diseases. Last evaluated: 2021-10-05. Review status: criteria provided, single submitter. Criteria: Ambry Variant Classification Scheme 2023. Collection method: clinical testing. Allele origin: germline.

NM_138295.5(PKD1L1):c.2216C>T (p.Thr739Ile)

Gene: PKD1L1 (polycystin 1 like 1, transient receptor potential channel interacting; minus strand). Cytogenetic location: 7p12.3.
Variant type: single nucleotide variant.
Coding change: c.2216C>T on transcript NM_138295.5 (MANE Select); coding-DNA position 2216, C replaced by T.
Protein change: p.Thr739Ile; replaces threonine 739 with isoleucine.
Molecular consequence: missense variant.
Genome position (GRCh38, 1-based): chr7:47,898,043, G>A on the plus strand (C>T on the coding strand, the complement: PKD1L1 is on the minus strand). VCF-style: chr7-47898043-G-A. GRCh37 (hg19) VCF-style: chr7-47937640-G-A.
Other names: c.2216C>T (NM_138295.3); short protein forms T739I.
Identifiers: ClinVar variation 1026431 (VCV001026431.10), dbSNP rs200811649, ClinGen allele CA4253829.